The following is an entry in ClinVar:

ClinVar aggregate classification (germline): Pathogenic/Likely pathogenic. Review status: criteria provided, multiple submitters, no conflicts (2 of 4 stars). 4 submissions from 4 submitters: Pathogenic (2); Likely pathogenic (2). Last evaluated 2024-04-23.

Conditions:
Hereditary cancer-predisposing syndrome. Also called: Hereditary Cancer Syndrome; Hereditary neoplastic syndrome; Neoplastic Syndromes, Hereditary; Tumor predisposition. Identifiers: Orphanet 140162, MedGen C0027672, MeSH D009386, MONDO:0015356.
Familial adenomatous polyposis 1 (FAP1). Also called: FAMILIAL ADENOMATOUS POLYPOSIS 1, ATTENUATED; POLYPOSIS, ADENOMATOUS INTESTINAL. Identifiers: MedGen C2713442, MONDO:0021056, OMIM 175100. Disease mechanism: loss of function.

Submissions (4):

Ambry Genetics
Classification: Pathogenic for Hereditary cancer-predisposing syndrome. Last evaluated: 2024-04-23. Review status: criteria provided, single submitter. Criteria: Ambry Variant Classification Scheme 2023. Collection method: clinical testing. Allele origin: germline.
Comment: The c.503delG pathogenic mutation, located in coding exon 4 of the APC gene, results from a deletion of one nucleotide at nucleotide position 503, causing a translational frameshift with a predicted alternate stop codon (p.R168Kfs*2). This variant is considered to be rare based on population cohorts in the Genome Aggregation Database (gnomAD). This alteration is expected to result in loss of function by premature protein truncation or nonsense-mediated mRNA decay. As such, this alteration is interpreted as a disease-causing mutation.

Myriad Genetics, Inc.
Classification: Pathogenic for Familial adenomatous polyposis 1. Last evaluated: 2023-04-26. Review status: criteria provided, single submitter. Criteria: Myriad Autosomal Dominant, Autosomal Recessive and X-Linked Classification Criteria (2023). Collection method: clinical testing. Allele origin: unknown.
Comment: This variant is considered pathogenic. This variant creates a frameshift predicted to result in premature protein truncation.

Baylor Genetics
Classification: Likely pathogenic for Familial adenomatous polyposis 1. Last evaluated: 2022-02-23. Review status: criteria provided, single submitter. Criteria: ACMG Guidelines, 2015. Collection method: clinical testing. Allele origin: unknown.

Sema4
Classification: Likely pathogenic for Hereditary cancer-predisposing syndrome. Last evaluated: 2022-02-15. Review status: criteria provided, single submitter. Criteria: Sema4 Curation Guidelines. Collection method: curation. Allele origin: germline.
Comment: To the best of our knowledge, the APC c.503delG (p.R168KfsX2) variant has not been reported in individuals with APC-related disease. This variant causes a frameshift at amino acid 168 that results in premature termination 2 amino acids downstream. At this location, this variant is predicted to cause loss of normal protein function either through protein truncation or nonsense-mediated mRNA decay. Loss of function of the APC gene is an established disease mechanism (PMID: 17963004, 20685668). This variant was not observed in the large and broad cohorts of the Genome Aggregation Database. The variant has not been reported in ClinVar. Based on the current evidence available, this variant is interpreted as likely pathogenic.

Literature cited by the submitters: PubMed 17963004 (cited by Sema4); PubMed 20685668 (cited by Sema4).

NM_000038.6(APC):c.503del (p.Arg168fs)

Gene: APC (APC regulator of Wnt signaling pathway; plus strand). Cytogenetic location: 5q22.2.
Variant type: Deletion.
Coding change: c.503del on transcript NM_000038.6 (MANE Select); coding-DNA position 503, one base deleted (G; older notation c.503delG).
Protein change: p.Arg168fs; shifts the reading frame from arginine 168.
Molecular consequence: frameshift variant. On other transcripts: 5 prime UTR variant (1).
Genome position (GRCh38, 1-based): chr5:112,775,709, G deleted. VCF-style (leftmost placement, unchanged base first): chr5-112775708-AG-A. GRCh37 (hg19) VCF-style: chr5-112111405-AG-A.
Other names: c.503del, p.Arg168fs (NM_001127510.3, NM_001354895.2, NM_001354896.2 and 2 more transcripts); c.533del, p.Arg178fs (NM_001127511.3, NM_001354897.2, NM_001354902.2); c.428del, p.Arg143fs (NM_001354898.2, NM_001354904.2); c.326del, p.Arg109fs (NM_001354900.2, NM_001354901.2, NM_001354905.2); c.-533del (NM_001354906.2); short protein forms R109fs, R143fs, R168fs, R178fs.
Identifiers: ClinVar variation 1692217 (VCV001692217.6), dbSNP rs2149615791, ClinGen allele CA2573138628.